The following is an entry in ClinVar:

ClinVar aggregate classification (germline): Uncertain significance (1 of 4 stars; one submission).

Allele frequency attached by ClinVar (database versions not stated): gnomAD exomes below 0.00001.
gnomAD v4.1: 1 of 1,614,198 alleles (0.000062%); highest among the groups gnomAD compares: Non-Finnish European, 0.000085%; no homozygotes.

Submission:

Labcorp Genetics (formerly Invitae), Labcorp
Classification: Uncertain significance. Last evaluated: 2023-04-27. Review status: criteria provided, single submitter. Criteria: Invitae Variant Classification Sherloc (09022015). Collection method: clinical testing. Allele origin: germline.
Comment: In summary, the available evidence is currently insufficient to determine the role of this variant in disease. Therefore, it has been classified as a Variant of Uncertain Significance. An algorithm developed to predict the effect of missense changes on protein structure and function (PolyPhen-2) suggests that this variant is likely to be tolerated. This variant has not been reported in the literature in individuals affected with MOCS3-related conditions. This variant is not present in population databases (gnomAD no frequency). This sequence change replaces isoleucine, which is neutral and non-polar, with methionine, which is neutral and non-polar, at codon 408 of the MOCS3 protein (p.Ile408Met).

NM_014484.5(MOCS3):c.1224T>G (p.Ile408Met)

Gene: MOCS3 (molybdenum cofactor synthesis 3; plus strand). Cytogenetic location: 20q13.13.
Variant type: single nucleotide variant.
Coding change: c.1224T>G on transcript NM_014484.5 (MANE Select); coding-DNA position 1224, T replaced by G.
Protein change: p.Ile408Met; replaces isoleucine 408 with methionine.
Molecular consequence: missense variant.
Genome position (GRCh38, 1-based): chr20:50,960,066, T>G. VCF-style: chr20-50960066-T-G. GRCh37 (hg19) VCF-style: chr20-49576603-T-G.
Other names: short protein forms I408M.
Identifiers: ClinVar variation 2977576 (VCV002977576.3), dbSNP rs2515745276, ClinGen allele CA408986667.